The following is an entry in ClinVar:

ClinVar aggregate classification (germline): Uncertain significance (1 of 4 stars; one submission).

Allele frequency attached by ClinVar (database versions not stated): gnomAD exomes below 0.00001.
gnomAD v4.1: 2 of 1,613,884 alleles (0.00012%); highest among the groups gnomAD compares: Non-Finnish European, 0.00017%; no homozygotes.

Submission:

Labcorp Genetics (formerly Invitae), Labcorp
Classification: Uncertain significance. Last evaluated: 2022-01-03. Review status: criteria provided, single submitter. Criteria: Invitae Variant Classification Sherloc (09022015). Collection method: clinical testing. Allele origin: germline.
Comment: This sequence change replaces methionine, which is neutral and non-polar, with threonine, which is neutral and polar, at codon 235 of the ALDH3A2 protein (p.Met235Thr). This variant is not present in population databases (gnomAD no frequency). This variant has not been reported in the literature in individuals affected with ALDH3A2-related conditions. Advanced modeling of protein sequence and biophysical properties (such as structural, functional, and spatial information, amino acid conservation, physicochemical variation, residue mobility, and thermodynamic stability) performed at Invitae indicates that this missense variant is not expected to disrupt ALDH3A2 protein function. In summary, the available evidence is currently insufficient to determine the role of this variant in disease. Therefore, it has been classified as a Variant of Uncertain Significance.

NM_000382.3(ALDH3A2):c.704T>C (p.Met235Thr)

Gene: ALDH3A2 (aldehyde dehydrogenase 3 family member A2; plus strand). Cytogenetic location: 17p11.2.
Variant type: single nucleotide variant.
Coding change: c.704T>C on transcript NM_000382.3 (MANE Select); coding-DNA position 704, T replaced by C.
Protein change: p.Met235Thr; replaces methionine 235 with threonine.
Molecular consequence: missense variant.
Genome position (GRCh38, 1-based): chr17:19,657,768, T>C. VCF-style: chr17-19657768-T-C. GRCh37 (hg19) VCF-style: chr17-19561081-T-C.
Other names: c.704T>C, p.Met235Thr (NM_001031806.2, NM_001369136.1, NM_001369137.2 and 3 more transcripts); c.125T>C, p.Met42Thr (NM_001369148.2); short protein forms M42T, M235T.
Identifiers: ClinVar variation 2072142 (VCV002072142.1), dbSNP rs2544375807, ClinGen allele CA398706746.